The following is an entry in ClinVar:

NM_030632.3(ASXL3):c.181A>G (p.Asn61Asp)

Gene: ASXL3 (ASXL transcriptional regulator 3; plus strand). Cytogenetic location: 18q12.1.
Variant type: single nucleotide variant.
Coding change: c.181A>G on transcript NM_030632.3 (MANE Select); coding-DNA position 181, A replaced by G.
Protein change: p.Asn61Asp; replaces asparagine 61 with aspartic acid.
Molecular consequence: missense variant.
Genome position (GRCh38, 1-based): chr18:33,644,937, A>G. VCF-style: chr18-33644937-A-G. GRCh37 (hg19) VCF-style: chr18-31224901-A-G.
Other names: short protein forms N61D.
Identifiers: ClinVar variation 3958414 (VCV003958414.2).
Genomic context (GRCh38, chr18:33,644,937, plus strand): 5'-ACACTTTTATTTTCTAGTGGAACCTCTCCATTAGCCTGTCTGAATGCAATGCTTCACACT[A>G]ACACTCGAATAGGGGATGGAACATTCTTCAAAATCCCTGGAAAGTCAGGCCTCTATGCTC-3'
Protein context (NP_085135.1, residues 51-71): LACLNAMLHT[Asn61Asp]TRIGDGTFFK

ClinVar aggregate classification (germline): Uncertain significance. Review status: criteria provided, multiple submitters, no conflicts (2 of 4 stars). 2 submissions from 2 submitters: Uncertain significance (2). Last evaluated 2026-03-06.

Conditions:
Inborn genetic diseases. Identifiers: MedGen C0950123, MeSH D030342.

Submissions (2):

GeneDx
Classification: Uncertain significance. Last evaluated: 2026-03-06. Review status: criteria provided, single submitter. Criteria: GeneDx Variant Classification Process June 2021. Collection method: clinical testing. Allele origin: germline.
Comment: Not observed at significant frequency in large population cohorts (gnomAD); In silico analysis supports that this missense variant has a deleterious effect on protein structure/function; Has not been previously published as pathogenic or benign to our knowledge

Ambry Genetics
Classification: Uncertain significance for Inborn genetic diseases. Last evaluated: 2025-03-28. Review status: criteria provided, single submitter. Criteria: Ambry Variant Classification Scheme 2023. Collection method: clinical testing. Allele origin: germline.